The following is an entry in ClinVar:

ClinVar aggregate classification (germline): Pathogenic (1 of 4 stars; one submission).

Submission:

Labcorp Genetics (formerly Invitae), Labcorp
Classification: Pathogenic. Last evaluated: 2021-08-23. Review status: criteria provided, single submitter. Criteria: Invitae Variant Classification Sherloc (09022015). Collection method: clinical testing. Allele origin: germline.
Comment: For these reasons, this variant has been classified as Pathogenic. This variant has not been reported in the literature in individuals affected with ADAMTS18-related conditions. This variant is a gross deletion of the genomic region encompassing exon(s) 13-21 of the ADAMTS18 gene. This deletion is out-of-frame, and is expected to create a premature termination codon and result in an absent or disrupted protein product. Loss-of-function variants in ADAMTS18 are known to be pathogenic (PMID: 23818446, 24874986).

Literature cited by the submitters: PubMed 23818446; PubMed 24874986.

NC_000016.9:g.(?_77325143)_(77359955_?)del

Gene: ADAMTS18 (ADAM metallopeptidase with thrombospondin type 1 motif 18; minus strand). Cytogenetic location: 16q23.1.
Variant type: Deletion.
Identifiers: ClinVar variation 1460454 (VCV001460454.4).